The following is an entry in ClinVar:

ClinVar aggregate classification (germline): Likely pathogenic. Review status: criteria provided, multiple submitters, no conflicts (2 of 4 stars). 2 submissions from 2 submitters: Likely pathogenic (2). Last evaluated 2026-08-28.

Conditions:
Hereditary cancer-predisposing syndrome. Also called: Neoplastic Syndromes, Hereditary; Tumor predisposition; Hereditary neoplastic syndrome; Hereditary Cancer Syndrome. Identifiers: Orphanet 140162, MedGen C0027672, MeSH D009386, MONDO:0015356.
Birt-Hogg-Dube syndrome 1 (BHD1). Also called: FIBROFOLLICULOMAS WITH TRICHODISCOMAS AND ACROCHORDONS. Identifiers: Orphanet 122, MedGen CN375946, MONDO:0800445, OMIM 135150.

Submissions (2):

Myriad Genetics, Inc.
Classification: Likely pathogenic for Birt-Hogg-Dube syndrome 1. Last evaluated: 2026-08-28. Review status: criteria provided, single submitter. Criteria: Myriad Autosomal Dominant, Autosomal Recessive and X-Linked Classification Criteria (2023). Collection method: clinical testing. Allele origin: unknown.
Comment: This variant is considered likely pathogenic. This variant occurs within a consensus splice junction and is predicted to result in abnormal mRNA splicing of either an out-of-frame exon or an in-frame exon necessary for protein stability and/or normal function.

Molecular Diagnostics Laboratory, Catalan Institute of Oncology
Classification: Likely pathogenic for Hereditary cancer-predisposing syndrome. Last evaluated: 2025-01-07. Review status: criteria provided, single submitter. Criteria: ACMG Guidelines, 2015. Collection method: clinical testing. Allele origin: germline.
Comment: PVS1, PM2_Supporting c.1177-1G>A, located in a canonic splicing site of FLCN, is predicted to alter splicing, probably causing the use of a cryptic splice site (r.1177_1217del, p.(Thr393Glnfs*49). This alteration is expected to result in loss of function by premature protein truncation and nonsense-mediated mRNA decay) (PVS1). It is not present in the population database gnomAD v2.1.1, non-cancer dataset (PM2_supporting). To our knowledge, neither relevant clinical data nor well-established functional studies have been reported for this variant. It cosegregates with the disease (Birt-Hogg-Dubé syndrome) in two siblings of our internal cohort of patients. This variant has not been reported in the ClinVar database or the LOVD. Based on currently available information, the variant c.1177-1G>A should be considered a likely pathogenic variant, according to ACMG/AMP classification guidelines.

NM_144997.7(FLCN):c.1177-1G>A

Gene: FLCN (folliculin; minus strand). Cytogenetic location: 17p11.2.
Variant type: single nucleotide variant.
Coding change: c.1177-1G>A on transcript NM_144997.7 (MANE Select); the canonical splice acceptor site of the intron before coding-DNA position 1177, G replaced by A.
Molecular consequence: splice acceptor variant.
Genome position (GRCh38, 1-based): chr17:17,216,504, C>T on the plus strand (G>A on the coding strand, the complement: FLCN is on the minus strand). VCF-style: chr17-17216504-C-T. GRCh37 (hg19) VCF-style: chr17-17119818-C-T.
Other names: c.1177-1G>A (NM_001353231.2, NM_001353230.2); c.1231-1G>A (NM_001353229.2).
Identifiers: ClinVar variation 3774389 (VCV003774389.2).